The following is an entry in ClinVar:

ClinVar aggregate classification (germline): Conflicting classifications of pathogenicity. Review status: criteria provided, conflicting classifications (1 of 4 stars). 6 submissions from 6 submitters: Uncertain significance (1); Benign (2); Likely benign (3). Last evaluated 2025-12-10.

Conditions:
Autoinflammatory syndrome. Identifiers: Orphanet 93665, MedGen C3890737, MONDO:0019751.
Pyogenic arthritis-pyoderma gangrenosum-acne syndrome (PAPA). Also called: PAPA SYNDROME; FAMILIAL RECURRENT ARTHRITIS. Identifiers: Orphanet 69126, MedGen C1858361, MONDO:0011462, OMIM 604416.

Allele frequency attached by ClinVar (database versions not stated): ESP Exome Variant Server 0.00008; gnomAD 0.00014; TOPMed 0.00016; ExAC 0.00050.
gnomAD v4.1: 208 of 1,580,608 alleles (0.013%); highest among the groups gnomAD compares: South Asian, 0.0093%; 2 homozygotes.

Submissions (6):

Labcorp Genetics (formerly Invitae), Labcorp
Classification: Benign for Pyogenic arthritis-pyoderma gangrenosum-acne syndrome. Last evaluated: 2025-12-10. Review status: criteria provided, single submitter. Criteria: Invitae Variant Classification Sherloc (09022015). Collection method: clinical testing. Allele origin: germline.

Blueprint Genetics
Classification: Likely benign. Last evaluated: 2024-05-13. Review status: criteria provided, single submitter. Criteria: ACMG Guidelines, 2015. Collection method: clinical testing. Allele origin: germline.

ARUP Laboratories, Molecular Genetics and Genomics, ARUP Laboratories
Classification: Likely benign for Pyogenic arthritis-pyoderma gangrenosum-acne syndrome. Last evaluated: 2019-06-27. Review status: criteria provided, single submitter. Criteria: ARUP Molecular Germline Variant Investigation Process. Collection method: clinical testing. Allele origin: germline.

Illumina Laboratory Services, Illumina
Classification: Benign for Pyogenic arthritis-pyoderma gangrenosum-acne syndrome. Last evaluated: 2018-01-12. Review status: criteria provided, single submitter. Criteria: ICSL Variant Classification Criteria 13 December 2019. Collection method: clinical testing. Allele origin: germline.
Comment: This variant was observed in the ICSL laboratory as part of a predisposition screen in an ostensibly healthy population. It had not been previously curated by ICSL or reported in the Human Gene Mutation Database (HGMD: prior to June 1st, 2018), and was therefore a candidate for classification through an automated scoring system. Utilizing variant allele frequency, disease prevalence and penetrance estimates, and inheritance mode, an automated score was calculated to assess if this variant is too frequent to cause the disease. Based on the score and internal cut-off values, a variant classified as benign is not then subjected to further curation. The score for this variant resulted in a classification of benign for this disease.

GeneDx
Classification: Likely benign. Last evaluated: 2017-12-15. Review status: criteria provided, single submitter. Criteria: GeneDx Variant Classification (06012015). Collection method: clinical testing. Allele origin: germline. Affected: yes.
Comment: This variant is considered likely benign or benign based on one or more of the following criteria: it is a conservative change, it occurs at a poorly conserved position in the protein, it is predicted to be benign by multiple in silico algorithms, and/or has population frequency not consistent with disease.

Genome Diagnostics Laboratory, The Hospital for Sick Children
Classification: Uncertain significance for Autoinflammatory syndrome. Last evaluated: 2016-12-12. Review status: criteria provided, single submitter. Criteria: ACMG Guidelines, 2015. Collection method: clinical testing. Allele origin: germline. Affected: yes.

NM_003978.5(PSTPIP1):c.555C>T (p.Thr185=)

Gene: PSTPIP1 (proline-serine-threonine phosphatase interacting protein 1; plus strand). Cytogenetic location: 15q24.3.
Variant type: single nucleotide variant.
Coding change: c.555C>T on transcript NM_003978.5 (MANE Select); coding-DNA position 555, C replaced by T.
Protein change: p.Thr185=; no amino-acid change (threonine 185 retained).
Molecular consequence: synonymous variant. On other transcripts: non-coding transcript variant (1).
Genome position (GRCh38, 1-based): chr15:77,029,567, C>T. VCF-style: chr15-77029567-C-T. GRCh37 (hg19) VCF-style: chr15-77321908-C-T.
Other names: c.555C>T, p.Thr185= (NM_001321135.2); c.528C>T, p.Thr176= (NM_001321136.2); c.750C>T, p.Thr250= (NM_001321137.1).
Identifiers: ClinVar variation 317176 (VCV000317176.25), dbSNP rs370782742, ClinGen allele CA7675861.